The following is an entry in ClinVar:

NM_000321.3(RB1):c.751C>T (p.Arg251Ter)

Gene: RB1 (RB transcriptional corepressor 1; plus strand). Cytogenetic location: 13q14.2.
Variant type: single nucleotide variant.
Coding change: c.751C>T on transcript NM_000321.3 (MANE Select); coding-DNA position 751, C replaced by T.
Protein change: p.Arg251Ter; replaces arginine 251 with a stop codon.
Molecular consequence: nonsense.
Genome position (GRCh38, 1-based): chr13:48,362,847, C>T. VCF-style: chr13-48362847-C-T. GRCh37 (hg19) VCF-style: chr13-48936983-C-T.
Other names: short protein forms R251*.
Identifiers: ClinVar variation 428681 (VCV000428681.25), dbSNP rs1131690863, ClinGen allele CA388159319.
Genomic context (GRCh38, chr13:48,362,847, plus strand): 5'-GTTCTTATCTAATTTACCACTTTTACAGAAACAGCTGTTATACCCATTAATGGTTCACCT[C>T]GAACACCCAGGCGAGGTCAGAACAGGAGTGCACGGATAGCAAAACAACTAGAAAATGATA-3'

ClinVar aggregate classification (germline): Pathogenic. Review status: criteria provided, multiple submitters, no conflicts (2 of 4 stars). 9 submissions from 9 submitters: Pathogenic (9). Last evaluated 2026-05-29.
ClinVar aggregate classification (oncogenicity): Likely oncogenic (1 of 4 stars; one submission).

Conditions:
Hereditary retinoblastoma. Identifiers: Orphanet 357027, MedGen C0751483, MONDO:0018160.
Retinoblastoma (RB1). Also called: RETINOBLASTOMA, SOMATIC. Identifiers: Orphanet 790, MedGen C0035335, MeSH D012175, MONDO:0008380, OMIM 180200, HP:0009919. Disease mechanism: loss of function. Inheritance: Both sporadic and heritable forms are tested..
Hereditary cancer-predisposing syndrome. Also called: Hereditary neoplastic syndrome; Neoplastic Syndromes, Hereditary; Tumor predisposition; Hereditary Cancer Syndrome. Identifiers: Orphanet 140162, MedGen C0027672, MeSH D009386, MONDO:0015356.
Neoplasm. Also called: tumor; Neoplasms; Neoplasm (disease). Identifiers: MedGen C0027651, MeSH D009369, MONDO:0005070, HP:0002664.

Submissions (10):

Diller/Parad Lab, Dana-Farber/Harvard Cancer Center
Classification: Pathogenic for Retinoblastoma. Last evaluated: 2026-05-29. Review status: criteria provided, single submitter. Criteria: ACMG Guidelines, 2015. Collection method: research. Allele origin: germline. Affected: yes. Observed: 2 variant alleles.
Comment: It has been classified as Pathogenic using Richards et al (PMID:25741868) based on the following evidence codes: PM2, PVS1, PP3, PP5.

Center for Genomic Medicine, Rigshospitalet, Copenhagen University Hospital
Classification: Pathogenic. Last evaluated: 2025-12-29. Review status: criteria provided, single submitter. Criteria: ACMG Guidelines, 2015. Collection method: clinical testing. Allele origin: germline.

Labcorp Genetics (formerly Invitae), Labcorp
Classification: Pathogenic for Retinoblastoma. Last evaluated: 2025-11-22. Review status: criteria provided, single submitter. Criteria: Invitae Variant Classification Sherloc (09022015). Collection method: clinical testing. Allele origin: germline.
Comment: This sequence change creates a premature translational stop signal (p.Arg251*) in the RB1 gene. It is expected to result in an absent or disrupted protein product. Loss-of-function variants in RB1 are known to be pathogenic (PMID: 17096365). This variant is not present in population databases (gnomAD no frequency). This premature translational stop signal has been observed in individual(s) with familial and sporadic retinoblastoma (PMID: 7704558, 22963398, 23595191, 24688104, 24791139, 25754945, 25928201, 26396485, 26539030, 27582626). In at least one individual the variant was observed to be de novo. It has also been observed to segregate with disease in related individuals. Invitae Evidence Modeling of clinical and family history, age, sex, and reported ancestry of multiple individuals with this RB1 variant has been performed. This variant is expected to be pathogenic with a positive predictive value of at least 99%. This is a validated machine learning model that incorporates the clinical features of 413,071 individuals referred to our laboratory for RB1 testing. ClinVar contains an entry for this variant (Variation ID: 428681). For these reasons, this variant has been classified as Pathogenic.

Ramesar Group, Division of Human Genetics, Institute of Infectious Diseases and Molecular Medicine, UCT/MRC Genomic and Precision Medicine Research Unit, University of Cape Town
Classification: Pathogenic for Hereditary retinoblastoma. Last evaluated: 2025-09-17. Review status: criteria provided, single submitter. Criteria: ACMG Guidelines, 2015. Collection method: research. Allele origin: germline. Affected: yes. Observed: 2 variant alleles.
Comment: PVS1: Null variant (nonsense) in a gene (RB1) where LOF is a known mechanism of disease PM2: Absent from gnomAD and ExAC PP4: Patient 1 and 2 present with bilateral retinoblastoma PP5: Reported as pathogenic in ClinVar and the LOVD

Ambry Genetics
Classification: Pathogenic for Hereditary cancer-predisposing syndrome. Last evaluated: 2025-04-30. Review status: criteria provided, single submitter. Criteria: Ambry Variant Classification Scheme 2023. Collection method: clinical testing. Allele origin: germline.
Comment: The p.R251* pathogenic mutation (also known as c.751C>T), located in coding exon 8 of the RB1 gene, results from a C to T substitution at nucleotide position 751. This changes the amino acid from an arginine to a stop codon within coding exon 8. This mutation has been reported in multiple patients diagnosed unilateral or bilateral retinoblastoma (Shahraki K et al. Eye (Lond). 2017 Apr;31:620-627; He MY et al. Mol Vis. 2014 Apr;20:545-52; Saliminejad K et al. J. Genet. 2013 May;92:e36-40; Ahani A et al. Cancer Genet. 2011 Jun;204:316-22; Pradhan MA et al. Clin. Experiment. Ophthalmol. 2010 Apr;38:231-6; Abouzeid H et al. Mol. Vis. 2007 Sep;13:1740-5; Houdayer C et al. Hum. Mutat. 2004 Feb;23:193-202; Lohmann DR et al. Am. J. Hum. Genet. 1996 May;58:940-9). Of note, this mutation is also designated as g.59683C>T in some published literature. This variant is considered to be rare based on population cohorts in the Genome Aggregation Database (gnomAD). In addition to the clinical data presented in the literature, this alteration is expected to result in loss of function by premature protein truncation or nonsense-mediated mRNA decay. As such, this alteration is interpreted as a disease-causing mutation.

Center for Genomic Medicine, Rigshospitalet, Copenhagen University Hospital
Classification: Likely oncogenic for Neoplasm. Last evaluated: 2025-03-04. Review status: criteria provided, single submitter. Criteria: ClinGen/CGC/VICC Guidelines for Oncogenicity, 2022. Collection method: clinical testing. Allele origin: somatic. Affected: yes.

St. Jude Molecular Pathology, St. Jude Children's Research Hospital
Classification: Pathogenic for Retinoblastoma. Last evaluated: 2024-11-12. Review status: criteria provided, single submitter. Criteria: St. Jude Assertion Criteria 2020. Collection method: clinical testing. Allele origin: germline.
Comment: The RB1 c.751C>T (p.Arg251Ter) change is a nonsense variant that is predicted to cause premature protein truncation or absence of protein due to nonsense-mediated decay. This variant has been reported in individuals with retinoblastoma (PMID: 25928201, 33456302, internal data). This variant is also absent in gnomAD v2.1.1. In summary, this variant meets criteria to be classified as pathogenic.

Genetic Diagnostic Laboratory, University of Pennsylvania School of Medicine
Classification: Pathogenic for Retinoblastoma. Last evaluated: 2024-05-20. Review status: criteria provided, single submitter. Criteria: ACMG Guidelines, 2015. Collection method: clinical testing. Allele origin: germline. Affected: yes. Observed: 13 variant alleles.
Comment: Case and Pedigree Information: BILATERAL CASES:11, UNILATERAL CASES:2, TOTAL CASES:13, PEDIGREES:12 (one pedigree contains both unilateral and bilateral cases). ACMG Codes Applied:PVS1, PM2, PS4M

Genetics and Molecular Pathology, SA Pathology
Classification: Pathogenic for Retinoblastoma. Last evaluated: 2023-05-03. Review status: criteria provided, single submitter. Criteria: ACMG Guidelines, 2015. Collection method: clinical testing. Allele origin: germline. Inheritance: Autosomal dominant inheritance. Affected: yes.
Comment: The RB1 c.751C>T variant is classified as Pathogenic (PVS1, PM2, PS4_moderate) The RB1 c.751C>T variant is a single nucleotide change in exon 8/27 which is predicted to result in premature termination of the protein product at codon 251 (PVS1). The variant has been reported in multiple unrelated individuals with a clinical presentation of retinoblastoma (PMID: 8651278, 14722923, 17096365, 34294096) (PS4_Moderate). This variant is absent from population databases (PM2). The variant has been reported in dbSNP (rs1131690863) and in the HGMD database as disease causing (CM941204). It has been reported as pathogenic by other diagnostic laboratories (ClinVar Variation ID: 428681) and in the RB1 lsdb (RB1_000062).

Department of Molecular Diagnostics, Institute of Oncology Ljubljana
Classification: Pathogenic for Retinoblastoma. Last evaluated: 2020-04-02. Review status: criteria provided, single submitter. Criteria: ACMG Guidelines, 2015. Collection method: clinical testing. Allele origin: germline. Affected: yes.

Literature cited by the submitters: PubMed 21763628 (cited by Center for Genomic Medicine, Rigshospitalet, Copenhagen University Hospital and Ambry Genetics); PubMed 34190019 (cited by Center for Genomic Medicine, Rigshospitalet, Copenhagen University Hospital); PubMed 17096365 (cited by Labcorp Genetics (formerly Invitae), Labcorp and Genetics and Molecular Pathology, SA Pathology); PubMed 7704558 (cited by Labcorp Genetics (formerly Invitae), Labcorp); PubMed 22963398 (cited by Labcorp Genetics (formerly Invitae), Labcorp); PubMed 23595191 (cited by Labcorp Genetics (formerly Invitae), Labcorp); PubMed 24688104 (cited by Labcorp Genetics (formerly Invitae), Labcorp); PubMed 24791139 (cited by Labcorp Genetics (formerly Invitae), Labcorp and Ambry Genetics); PubMed 25754945 (cited by Labcorp Genetics (formerly Invitae), Labcorp); PubMed 25928201 (cited by Labcorp Genetics (formerly Invitae), Labcorp); PubMed 26396485 (cited by Labcorp Genetics (formerly Invitae), Labcorp); PubMed 26539030 (cited by Labcorp Genetics (formerly Invitae), Labcorp); PubMed 27582626 (cited by Labcorp Genetics (formerly Invitae), Labcorp); PubMed 14722923 (cited by Ambry Genetics and Genetics and Molecular Pathology, SA Pathology); PubMed 17960112 (cited by Ambry Genetics); PubMed 20447117 (cited by Ambry Genetics); PubMed 23981928 (cited by Ambry Genetics); PubMed 27983729 (cited by Ambry Genetics); PubMed 8651278 (cited by Ambry Genetics and Genetics and Molecular Pathology, SA Pathology); PubMed 34294096 (cited by Genetics and Molecular Pathology, SA Pathology).